The following is an entry in ClinVar:

ClinVar aggregate classification (germline): Uncertain significance. Review status: criteria provided, multiple submitters, no conflicts (2 of 4 stars). 3 submissions from 3 submitters: Uncertain significance (3). Last evaluated 2025-05-30.

Conditions:
Inborn genetic diseases. Identifiers: MedGen C0950123, MeSH D030342.

Allele frequency attached by ClinVar (database versions not stated): ExAC 0.00001; gnomAD exomes 0.00001 and 0.00002; TOPMed 0.00001; gnomAD 0.00002.
gnomAD v4.1: 32 of 1,614,010 alleles (0.002%); highest among the groups gnomAD compares: Non-Finnish European, 0.0027%; no homozygotes.

Submissions (3):

Ambry Genetics
Classification: Uncertain significance for Inborn genetic diseases. Last evaluated: 2025-05-30. Review status: criteria provided, single submitter. Criteria: Ambry Variant Classification Scheme 2023. Collection method: clinical testing. Allele origin: germline.

Labcorp Genetics (formerly Invitae), Labcorp
Classification: Uncertain significance. Last evaluated: 2024-12-16. Review status: criteria provided, single submitter. Criteria: Invitae Variant Classification Sherloc (09022015). Collection method: clinical testing. Allele origin: germline.
Comment: This sequence change replaces alanine, which is neutral and non-polar, with valine, which is neutral and non-polar, at codon 905 of the CDK5RAP2 protein (p.Ala905Val). This variant is present in population databases (rs750689530, gnomAD 0.002%). This variant has not been reported in the literature in individuals affected with CDK5RAP2-related conditions. ClinVar contains an entry for this variant (Variation ID: 810412). An algorithm developed to predict the effect of missense changes on protein structure and function (PolyPhen-2) suggests that this variant is likely to be disruptive. In summary, the available evidence is currently insufficient to determine the role of this variant in disease. Therefore, it has been classified as a Variant of Uncertain Significance.

CeGaT Center for Human Genetics Tuebingen
Classification: Uncertain significance. Last evaluated: 2016-05-01. Review status: criteria provided, single submitter. Criteria: CeGaT Center For Human Genetics Tuebingen Variant Classification Criteria Version 2. Collection method: clinical testing. Allele origin: germline. Affected: yes. Observed: 1 variant allele.

NM_018249.6(CDK5RAP2):c.2714C>T (p.Ala905Val)

Gene: CDK5RAP2 (CDK5 regulatory subunit associated protein 2; minus strand). Cytogenetic location: 9q33.2.
Variant type: single nucleotide variant.
Coding change: c.2714C>T on transcript NM_018249.6 (MANE Select); coding-DNA position 2714, C replaced by T.
Protein change: p.Ala905Val; replaces alanine 905 with valine.
Molecular consequence: missense variant. On other transcripts: non-coding transcript variant (5), intron variant (1).
Genome position (GRCh38, 1-based): chr9:120,453,535, G>A on the plus strand (C>T on the coding strand, the complement: CDK5RAP2 is on the minus strand). VCF-style: chr9-120453535-G-A. GRCh37 (hg19) VCF-style: chr9-123215813-G-A.
Other names: c.2714C>T, p.Ala905Val (NM_001011649.3); c.2104-5409C>T (NM_001272039.2); c.2714C>T (NM_018249.4); short protein forms A905V.
Identifiers: ClinVar variation 810412 (VCV000810412.44), dbSNP rs750689530, ClinGen allele CA5214010.